The following is an entry in ClinVar:

NM_004336.5(BUB1):c.3125A>G (p.His1042Arg)

Gene: BUB1 (BUB1 mitotic checkpoint serine/threonine kinase; minus strand). Cytogenetic location: 2q13.
Variant type: single nucleotide variant.
Coding change: c.3125A>G on transcript NM_004336.5 (MANE Select); coding-DNA position 3125, A replaced by G.
Protein change: p.His1042Arg; replaces histidine 1042 with arginine.
Molecular consequence: missense variant.
Genome position (GRCh38, 1-based): chr2:110,638,097, T>C on the plus strand (A>G on the coding strand, the complement: BUB1 is on the minus strand). VCF-style: chr2-110638097-T-C. GRCh37 (hg19) VCF-style: chr2-111395674-T-C.
Other names: c.3065A>G, p.His1022Arg (NM_001278616.2); c.2954A>G, p.His985Arg (NM_001278617.2); short protein forms H985R, H1042R, H1022R.
Identifiers: ClinVar variation 2451250 (VCV002451250.2), dbSNP rs756101035, ClinGen allele CA348088493.

ClinVar aggregate classification (germline): Uncertain significance (1 of 4 stars; one submission).

gnomAD v4.1: 1 of 1,612,070 alleles (0.000062%); highest among the groups gnomAD compares: South Asian, 0.0011%; no homozygotes.

Submission:

Ambry Genetics
Classification: Uncertain significance. Last evaluated: 2023-01-05. Review status: criteria provided, single submitter. Criteria: Ambry Variant Classification Scheme 2023. Collection method: clinical testing. Allele origin: germline.
Comment: The p.H1042R variant (also known as c.3125A>G), located in coding exon 25 of the BUB1 gene, results from an A to G substitution at nucleotide position 3125. The histidine at codon 1042 is replaced by arginine, an amino acid with highly similar properties. This amino acid position is conserved. In addition, this alteration is predicted to be tolerated by in silico analysis. Since supporting evidence is limited at this time, the clinical significance of this alteration remains unclear.